The following is an entry in ClinVar:

NM_000238.4(KCNH2):c.1869C>T (p.Thr623=)

Gene: KCNH2 (potassium voltage-gated channel subfamily H member 2; minus strand). Cytogenetic location: 7q36.1.
Variant type: single nucleotide variant.
Coding change: c.1869C>T on transcript NM_000238.4 (MANE Select); coding-DNA position 1869, C replaced by T.
Protein change: p.Thr623=; no amino-acid change (threonine 623 retained).
Molecular consequence: synonymous variant. On other transcripts: non-coding transcript variant (2).
Genome position (GRCh38, 1-based): chr7:150,951,524, G>A on the plus strand (C>T on the coding strand, the complement: KCNH2 is on the minus strand). VCF-style: chr7-150951524-G-A. GRCh37 (hg19) VCF-style: chr7-150648612-G-A.
Other names: c.849C>T, p.Thr283= (NM_001204798.2, NM_172057.3); c.1581C>T, p.Thr527= (NM_001406753.1, NM_001406756.1); c.1692C>T, p.Thr564= (NM_001406755.1); c.1569C>T, p.Thr523= (NM_001406757.1); c.1869C>T, p.Thr623= (NM_172056.3).
Identifiers: ClinVar variation 2587219 (VCV002587219.2), dbSNP rs1159620963, ClinGen allele CA458871485.

ClinVar aggregate classification (germline): Uncertain significance (1 of 4 stars; one submission).

Conditions:
Cardiovascular phenotype. Identifiers: MedGen CN230736.

Allele frequency attached by ClinVar (database versions not stated): TOPMed 0.00001.

Submission:

Ambry Genetics
Classification: Uncertain significance for Cardiovascular phenotype. Last evaluated: 2023-07-26. Review status: criteria provided, single submitter. Criteria: Ambry Variant Classification Scheme 2023. Collection method: clinical testing. Allele origin: germline.
Comment: The c.1869C>T variant (also known as p.T623T), located in coding exon 7 of the KCNH2 gene, results from a C to T substitution at nucleotide position 1869. This nucleotide substitution does not change the threonine at codon 623. This nucleotide position is well conserved in available vertebrate species. In silico splice site analysis for this alteration is inconclusive. Since supporting evidence is limited at this time, the clinical significance of this alteration remains unclear.